The following is an entry in ClinVar:

ClinVar aggregate classification (germline): Pathogenic/Likely pathogenic. Review status: criteria provided, multiple submitters, no conflicts (2 of 4 stars). 2 submissions from 2 submitters: Pathogenic (1); Likely pathogenic (1). Last evaluated 2023-10-13.

Conditions:
Fanconi anemia (FA). Also called: Fanconi's anemia. Identifiers: Orphanet 84, MedGen C0015625, MeSH D005199, MONDO:0019391.
FANCI-related disorders.

Submissions (2):

Labcorp Genetics (formerly Invitae), Labcorp
Classification: Pathogenic for Fanconi anemia. Last evaluated: 2023-10-13. Review status: criteria provided, single submitter. Criteria: Invitae Variant Classification Sherloc (09022015). Collection method: clinical testing. Allele origin: germline.
Comment: This sequence change creates a premature translational stop signal (p.Gly401Glufs*35) in the FANCI gene. It is expected to result in an absent or disrupted protein product. Loss-of-function variants in FANCI are known to be pathogenic (PMID: 17452773, 17460694). This variant is not present in population databases (gnomAD no frequency). This premature translational stop signal has been observed in individual(s) with Fanconi anemia (PMID: 26590883). For these reasons, this variant has been classified as Pathogenic.

Blueprint Genetics
Classification: Likely pathogenic for FANCI-related disorders. Last evaluated: 2021-06-23. Review status: criteria provided, single submitter. Criteria: ACMG Guidelines, 2015. Collection method: clinical testing. Allele origin: germline. Affected: yes. Observed: 1 variant allele.

Literature cited by the submitters: PubMed 17452773 (cited by Labcorp Genetics (formerly Invitae), Labcorp); PubMed 17460694 (cited by Labcorp Genetics (formerly Invitae), Labcorp); PubMed 26590883 (cited by Labcorp Genetics (formerly Invitae), Labcorp).

NM_001113378.2(FANCI):c.1202del (p.Gly401fs)

Gene: FANCI (FA complementation group I; plus strand). Cytogenetic location: 15q26.1.
Variant type: Deletion.
Coding change: c.1202del on transcript NM_001113378.2 (MANE Select); coding-DNA position 1202, one base deleted (G; older notation c.1202delG).
Protein change: p.Gly401fs; shifts the reading frame from glycine 401.
Molecular consequence: frameshift variant.
Genome position (GRCh38, 1-based): chr15:89,276,800, G deleted; the last of 2 consecutive G bases (chr15:89,276,799-89,276,800); deleting either gives the same sequence. VCF-style (leftmost placement, unchanged base first): chr15-89276798-TG-T. GRCh37 (hg19) VCF-style: chr15-89820029-TG-T.
Other names: c.923del, p.Gly308fs (NM_001376910.1); c.1202del, p.Gly401fs (NM_001376911.1, NM_018193.3); short protein forms G401fs, G308fs.
Identifiers: ClinVar variation 2758968 (VCV002758968.4), dbSNP rs2506450135, ClinGen allele CA1139771052.